The following is an entry in ClinVar:

ClinVar aggregate classification (germline): Uncertain significance (1 of 4 stars; one submission).

Allele frequency attached by ClinVar (database versions not stated): TOPMed below 0.00001; gnomAD 0.00001; gnomAD exomes 0.00001.
gnomAD v4.1: 21 of 1,606,990 alleles (0.0013%); highest among the groups gnomAD compares: Non-Finnish European, 0.0018%; no homozygotes.

Submission:

CeGaT Center for Human Genetics Tuebingen
Classification: Uncertain significance. Last evaluated: 2024-03-01. Review status: criteria provided, single submitter. Criteria: CeGaT Center For Human Genetics Tuebingen Variant Classification Criteria Version 2. Collection method: clinical testing. Allele origin: germline. Affected: yes. Observed: 1 variant allele.
Comment: TBC1D24: PM2, BP4

NM_001199107.2(TBC1D24):c.1414T>G (p.Ser472Ala)

Gene: TBC1D24 (TBC1 domain family member 24; plus strand). Cytogenetic location: 16p13.3.
Variant type: single nucleotide variant.
Coding change: c.1414T>G on transcript NM_001199107.2 (MANE Select); coding-DNA position 1414, T replaced by G.
Protein change: p.Ser472Ala; replaces serine 472 with alanine.
Molecular consequence: missense variant.
Genome position (GRCh38, 1-based): chr16:2,500,379, T>G. VCF-style: chr16-2500379-T-G. GRCh37 (hg19) VCF-style: chr16-2550380-T-G.
Other names: c.1396T>G, p.Ser466Ala (NM_020705.3); short protein forms S466A, S472A.
Identifiers: ClinVar variation 3067723 (VCV003067723.21), dbSNP rs1455088890, ClinGen allele CA394380896.